The following is an entry in ClinVar:

ClinVar aggregate classification (germline): Uncertain significance. Review status: criteria provided, multiple submitters, no conflicts (2 of 4 stars). 4 submissions from 4 submitters: Uncertain significance (4). Last evaluated 2026-07-29.

Conditions:
GUCY2D-related disorder. Also called: GUCY2D-related condition.
Cone-rod dystrophy 6 (CORD6). Also called: RETINAL CONE DYSTROPHY 2; Cone dystrophy progressive. Identifiers: Orphanet 1872, MedGen C1866293, MONDO:0011143, OMIM 601777.
Leber congenital amaurosis 1 (LCA1). Also called: Congenital absence of the rods and cones; Leber's congenital tapetoretinal degeneration; Leber's congenital tapetoretinal dysplasia; RETINAL BLINDNESS, CONGENITAL; AMAUROSIS CONGENITA OF LEBER I. Identifiers: Orphanet 65, MedGen C2931258, MONDO:0008764, OMIM 204000.

Allele frequency attached by ClinVar (database versions not stated): TOPMed below 0.00001; gnomAD 0.00001; gnomAD exomes 0.00001 and 0.00002; ExAC 0.00002.
gnomAD v4.1: 23 of 1,584,376 alleles (0.0015%); highest among the groups gnomAD compares: East Asian, 0.02%; no homozygotes.

Submissions (4):

PreventionGenetics, part of Exact Sciences
Classification: Uncertain significance for GUCY2D-related condition. Last evaluated: 2026-07-29. Review status: criteria provided, single submitter. Criteria: ACMG Guidelines, 2015. Collection method: clinical testing. Allele origin: germline.
Comment: The GUCY2D c.1562G>A variant is predicted to result in the amino acid substitution p.Arg521Gln. To our knowledge, this variant has not been reported in the literature. This variant is reported in 0.016% of alleles in individuals of East Asian descent in gnomAD. At this time, the clinical significance of this variant is uncertain due to the absence of conclusive functional and genetic evidence.

Labcorp Genetics (formerly Invitae), Labcorp
Classification: Uncertain significance for Leber congenital amaurosis 1; Cone-rod dystrophy 6. Last evaluated: 2022-07-06. Review status: criteria provided, single submitter. Criteria: Invitae Variant Classification Sherloc (09022015). Collection method: clinical testing. Allele origin: germline.
Comment: This sequence change replaces arginine, which is basic and polar, with glutamine, which is neutral and polar, at codon 521 of the GUCY2D protein (p.Arg521Gln). This variant is present in population databases (rs751520851, gnomAD 0.02%). This variant has not been reported in the literature in individuals affected with GUCY2D-related conditions. ClinVar contains an entry for this variant (Variation ID: 1396352). Algorithms developed to predict the effect of missense changes on protein structure and function output the following: SIFT: "Deleterious"; PolyPhen-2: "Benign"; Align-GVGD: "Class C35". The glutamine amino acid residue is found in multiple mammalian species, which suggests that this missense change does not adversely affect protein function. In summary, the available evidence is currently insufficient to determine the role of this variant in disease. Therefore, it has been classified as a Variant of Uncertain Significance.

Revvity Omics, Revvity
Classification: Uncertain significance. Last evaluated: 2022-05-03. Review status: criteria provided, single submitter. Criteria: ACMG Guidelines, 2015. Collection method: clinical testing. Allele origin: germline.

Blueprint Genetics
Classification: Uncertain significance. Last evaluated: 2020-07-28. Review status: criteria provided, single submitter. Criteria: ACMG Guidelines, 2015. Collection method: clinical testing. Allele origin: germline.

NM_000180.4(GUCY2D):c.1562G>A (p.Arg521Gln)

Gene: GUCY2D (guanylate cyclase 2D, retinal; plus strand). Cytogenetic location: 17p13.1.
Variant type: single nucleotide variant.
Coding change: c.1562G>A on transcript NM_000180.4 (MANE Select); coding-DNA position 1562, G replaced by A.
Protein change: p.Arg521Gln; replaces arginine 521 with glutamine.
Molecular consequence: missense variant.
Genome position (GRCh38, 1-based): chr17:8,007,524, G>A. VCF-style: chr17-8007524-G-A. GRCh37 (hg19) VCF-style: chr17-7910842-G-A.
Other names: c.1562G>A (NM_000180.3); short protein forms R521Q.
Identifiers: ClinVar variation 1396352 (VCV001396352.12), dbSNP rs751520851, ClinGen allele CA8365791.